The following is an entry in ClinVar:

ClinVar aggregate classification (germline): Pathogenic (1 of 4 stars; one submission).

Submission:

GeneDx
Classification: Pathogenic. Last evaluated: 2026-08-04. Review status: criteria provided, single submitter. Criteria: GeneDx Variant Classification Process June 2021. Collection method: clinical testing. Allele origin: germline.
Comment: Not observed at significant frequency in large population cohorts (gnomAD); In silico analysis suggests that this missense variant does not alter protein structure/function; This variant is associated with the following publications: (PMID: 27535533, 35586607)

NM_001375524.1(TRRAP):c.79G>C (p.Ala27Pro)

Gene: TRRAP (transformation/transcription domain associated protein; plus strand). Cytogenetic location: 7q22.1.
Variant type: single nucleotide variant.
Coding change: c.79G>C on transcript NM_001375524.1 (MANE Select); coding-DNA position 79, G replaced by C.
Protein change: p.Ala27Pro; replaces alanine 27 with proline.
Molecular consequence: missense variant.
Genome position (GRCh38, 1-based): chr7:98,881,229, G>C. VCF-style: chr7-98881229-G-C. GRCh37 (hg19) VCF-style: chr7-98478852-G-C.
Other names: c.79G>C, p.Ala27Pro (NM_001244580.2, NM_003496.4); short protein forms A27P.
Identifiers: ClinVar variation 1327285 (VCV001327285.5), dbSNP rs2116222415, ClinGen allele CA368301485.